The following is an entry in ClinVar:

ClinVar aggregate classification (germline): Conflicting classifications of pathogenicity. Review status: criteria provided, conflicting classifications (1 of 4 stars). 3 submissions from 3 submitters: Uncertain significance (2); Likely benign (1). Last evaluated 2024-10-04.

Conditions:
Hereditary cancer-predisposing syndrome. Also called: Neoplastic Syndromes, Hereditary; Tumor predisposition; Hereditary Cancer Syndrome; Hereditary neoplastic syndrome. Identifiers: Orphanet 140162, MedGen C0027672, MeSH D009386, MONDO:0015356.

Allele frequency attached by ClinVar (database versions not stated): gnomAD exomes below 0.00001; ExAC 0.00001; gnomAD 0.00001; TOPMed 0.00002.

Submissions (3):

Ambry Genetics
Classification: Likely benign for Hereditary cancer-predisposing syndrome. Last evaluated: 2024-10-04. Review status: criteria provided, single submitter. Criteria: Ambry Variant Classification Scheme 2023. Collection method: clinical testing. Allele origin: germline.

Labcorp Genetics (formerly Invitae), Labcorp
Classification: Uncertain significance. Last evaluated: 2024-03-14. Review status: criteria provided, single submitter. Criteria: Invitae Variant Classification Sherloc (09022015). Collection method: clinical testing. Allele origin: germline.
Comment: This sequence change replaces serine, which is neutral and polar, with alanine, which is neutral and non-polar, at codon 93 of the HOXB13 protein (p.Ser93Ala). This variant is present in population databases (rs780012601, gnomAD 0.007%). This missense change has been observed in individual(s) with prostate cancer (PMID: 34799695). ClinVar contains an entry for this variant (Variation ID: 483499). Advanced modeling of protein sequence and biophysical properties (such as structural, functional, and spatial information, amino acid conservation, physicochemical variation, residue mobility, and thermodynamic stability) performed at Invitae indicates that this missense variant is not expected to disrupt HOXB13 protein function with a negative predictive value of 80%. In summary, the available evidence is currently insufficient to determine the role of this variant in disease. Therefore, it has been classified as a Variant of Uncertain Significance.

GeneDx
Classification: Uncertain significance. Last evaluated: 2024-02-27. Review status: criteria provided, single submitter. Criteria: GeneDx Variant Classification Process June 2021. Collection method: clinical testing. Allele origin: germline. Affected: yes.
Comment: Not observed at significant frequency in large population cohorts (gnomAD); In silico analysis supports that this missense variant does not alter protein structure/function; Observed in an individual with prostate cancer (PMID: 34799695); This variant is associated with the following publications: (PMID: 28272408, 35147852, 34799695)

Literature cited by the submitters: PubMed 28272408 (cited by Ambry Genetics); PubMed 34799695 (cited by Labcorp Genetics (formerly Invitae), Labcorp).

NM_006361.6(HOXB13):c.277T>G (p.Ser93Ala)

Gene: HOXB13 (homeobox B13; minus strand). Cytogenetic location: 17q21.32.
Variant type: single nucleotide variant.
Coding change: c.277T>G on transcript NM_006361.6 (MANE Select); coding-DNA position 277, T replaced by G.
Protein change: p.Ser93Ala; replaces serine 93 with alanine.
Molecular consequence: missense variant.
Genome position (GRCh38, 1-based): chr17:48,728,317, A>C on the plus strand (T>G on the coding strand, the complement: HOXB13 is on the minus strand). VCF-style: chr17-48728317-A-C. GRCh37 (hg19) VCF-style: chr17-46805679-A-C.
Other names: short protein forms S93A.
Identifiers: ClinVar variation 483499 (VCV000483499.13), dbSNP rs780012601, ClinGen allele CA8634029.